The following is an entry in ClinVar:

ClinVar aggregate classification (germline): Uncertain significance (1 of 4 stars; one submission).

Submission:

Labcorp Genetics (formerly Invitae), Labcorp
Classification: Uncertain significance. Last evaluated: 2024-04-30. Review status: criteria provided, single submitter. Criteria: Invitae Variant Classification Sherloc (09022015). Collection method: clinical testing. Allele origin: germline.
Comment: This sequence change replaces lysine, which is basic and polar, with threonine, which is neutral and polar, at codon 385 of the DNAJC21 protein (p.Lys385Thr). This variant is not present in population databases (gnomAD no frequency). This variant has not been reported in the literature in individuals affected with DNAJC21-related conditions. An algorithm developed to predict the effect of missense changes on protein structure and function (PolyPhen-2) suggests that this variant is likely to be disruptive. In summary, the available evidence is currently insufficient to determine the role of this variant in disease. Therefore, it has been classified as a Variant of Uncertain Significance.

NM_001012339.3(DNAJC21):c.1154A>C (p.Lys385Thr)

Gene: DNAJC21 (DnaJ heat shock protein family (Hsp40) member C21; plus strand). Cytogenetic location: 5p13.2.
Variant type: single nucleotide variant.
Coding change: c.1154A>C on transcript NM_001012339.3 (MANE Select); coding-DNA position 1154, A replaced by C.
Protein change: p.Lys385Thr; replaces lysine 385 with threonine.
Molecular consequence: missense variant.
Genome position (GRCh38, 1-based): chr5:34,945,772, A>C. VCF-style: chr5-34945772-A-C. GRCh37 (hg19) VCF-style: chr5-34945877-A-C.
Other names: c.1193A>C, p.Lys398Thr (NM_001348420.2); c.1154A>C, p.Lys385Thr (NM_194283.4); short protein forms K385T, K398T.
Identifiers: ClinVar variation 3615065 (VCV003615065.2).